The following is an entry in ClinVar:

ClinVar aggregate classification (germline): Uncertain significance (1 of 4 stars; one submission).

gnomAD v4.1: 73 of 1,584,588 alleles (0.0046%); highest among the groups gnomAD compares: Non-Finnish European, 0.0058%; no homozygotes.

Submission:

Labcorp Genetics (formerly Invitae), Labcorp
Classification: Uncertain significance. Last evaluated: 2024-07-08. Review status: criteria provided, single submitter. Criteria: Invitae Variant Classification Sherloc (09022015). Collection method: clinical testing. Allele origin: germline.
Comment: This sequence change replaces aspartic acid, which is acidic and polar, with asparagine, which is neutral and polar, at codon 375 of the PALM protein (p.Asp375Asn). This variant is present in population databases (no rsID available, gnomAD 0.002%). This variant has not been reported in the literature in individuals affected with PALM-related conditions. An algorithm developed to predict the effect of missense changes on protein structure and function (PolyPhen-2) suggests that this variant is likely to be tolerated. In summary, the available evidence is currently insufficient to determine the role of this variant in disease. Therefore, it has been classified as a Variant of Uncertain Significance.

NM_002579.3(PALM):c.1123G>A (p.Asp375Asn)

Gene: PALM (paralemmin; plus strand). Cytogenetic location: 19p13.3.
Variant type: single nucleotide variant.
Coding change: c.1123G>A on transcript NM_002579.3 (MANE Select); coding-DNA position 1123, G replaced by A.
Protein change: p.Asp375Asn; replaces aspartic acid 375 with asparagine.
Molecular consequence: missense variant.
Genome position (GRCh38, 1-based): chr19:746,773, G>A. VCF-style: chr19-746773-G-A. GRCh37 (hg19) VCF-style: chr19-746773-G-A.
Other names: c.991G>A, p.Asp331Asn (NM_001040134.2); short protein forms D331N, D375N.
Identifiers: ClinVar variation 3613769 (VCV003613769.2).